The following is an entry in ClinVar:

NM_007294.4(BRCA1):c.2037G>A (p.Lys679=)

Gene: BRCA1 (BRCA1 DNA repair associated; minus strand). Cytogenetic location: 17q21.31.
Variant type: single nucleotide variant.
Coding change: c.2037G>A on transcript NM_007294.4 (MANE Select); coding-DNA position 2037, G replaced by A.
Protein change: p.Lys679=; no amino-acid change (lysine 679 retained).
Molecular consequence: synonymous variant. On other transcripts: intron variant (137).
Genome position (GRCh38, 1-based): chr17:43,093,494, C>T on the plus strand (G>A on the coding strand, the complement: BRCA1 is on the minus strand). VCF-style: chr17-43093494-C-T. GRCh37 (hg19) VCF-style: chr17-41245511-C-T.
Other names: c.2034G>A, p.Lys678= (NM_001407629.1, NM_001407630.1, NM_001407631.1 and 22 more transcripts); c.2037G>A, p.Lys679= (NM_001407639.1, NM_001407640.1, NM_001407641.1 and 30 more transcripts); c.2028G>A, p.Lys676= (NM_001407646.1, NM_001407647.1); c.1914G>A, p.Lys638= (NM_001407648.1, NM_001407664.1, NM_001407665.1 and 19 more transcripts); c.1911G>A, p.Lys637= (NM_001407649.1, NM_001407670.1, NM_001407671.1 and 11 more transcripts); c.1959G>A, p.Lys653= (NM_001407653.1, NM_001407654.1, NM_001407655.1 and 4 more transcripts); c.1956G>A, p.Lys652= (NM_001407659.1, NM_001407660.1, NM_001407661.1 and 1 more transcripts); c.1896G>A, p.Lys632= (NM_001407692.1, NM_001407694.1, NM_001407695.1 and 29 more transcripts); and 40 more.
Identifiers: ClinVar variation 427303 (VCV000427303.13), dbSNP rs572835027, ClinGen allele CA057716.
Genomic context (GRCh38, chr17:43,093,494, plus strand): 5'-CTCTGGGAAAGTATCGCTGTCATGTCTTTTACTTGTCTGTTCATTTGGCTTGTTACTCTT[C>T]TTGGCTCCAGTTGCAGGTTCTTTACCTTCCATGAGTTGTAGGTTTCTGCTGTGCCTGACT-3'
Protein context (NP_009225.1, residues 669-689): MEGKEPATGA[Lys679=]KSNKPNEQTS

ClinVar aggregate classification (germline): Likely benign. Review status: reviewed by expert panel (3 of 4 stars). 2 submissions from 2 submitters: Likely benign (1). 1 of the submissions does not count toward it. Last evaluated 2017-06-29.

Conditions:
Hereditary breast ovarian cancer syndrome. Also called: Hereditary breast and ovarian cancer syndrome (HBOC); BRCA1- and BRCA2-Associated Hereditary Breast and Ovarian Cancer; Hereditary breast and/or ovarian cancer syndrome; Hereditary breast and ovarian cancer syndrome; Hereditary breast and ovarian cancer; Breast and ovarian cancer. Identifiers: Orphanet 145, MedGen C0677776, MeSH D061325, MONDO:0003582. Disease mechanism: loss of function.
Breast-ovarian cancer, familial, susceptibility to, 1 (BROVCA1). Also called: BRCA1 Hereditary Breast and Ovarian Cancer; OVARIAN CANCER, SUSCEPTIBILITY TO. Identifiers: Orphanet 145, MedGen C2676676, MONDO:0011450, OMIM 604370. Disease mechanism: loss of function.

Allele frequency attached by ClinVar (database versions not stated): gnomAD exomes below 0.00001; gnomAD 0.00001; ExAC 0.00002; 1000 Genomes Project 0.00040; 1000 Genomes Project 30x 0.00047.
gnomAD v4.1: 2 of 1,614,090 alleles (0.00012%); highest among the groups gnomAD compares: East Asian, 0.0045%; no homozygotes.

Submissions (2):

Evidence-based Network for the Interpretation of Germline Mutant Alleles (ENIGMA)
Classification: Likely benign for Breast-ovarian cancer, familial, susceptibility to, 1. Last evaluated: 2017-06-29. Review status: reviewed by expert panel. Criteria: ENIGMA BRCA1/2 Classification Criteria (2017-06-29). Collection method: curation. Allele origin: germline.
Comment: Synonymous substitution variant, with low bioinformatic likelihood to result in a splicing aberration (Splicing prior probability 0.02).

Labcorp Genetics (formerly Invitae), Labcorp
Classification: Likely benign for Hereditary breast ovarian cancer syndrome. Last evaluated: 2025-10-07. Review status: criteria provided, single submitter. Criteria: Invitae Variant Classification Sherloc (09022015). Collection method: clinical testing. Allele origin: germline. Not counted in ClinVar's aggregate classification.